The following is an entry in ClinVar:

ClinVar aggregate classification (germline): Uncertain significance (1 of 4 stars; one submission).

Conditions:
Amyotrophic lateral sclerosis type 15. Also called: AMYOTROPHIC LATERAL SCLEROSIS 15 WITH FRONTOTEMPORAL DEMENTIA. Identifiers: Orphanet 803, MedGen C3275459, MONDO:0010459, OMIM 300857.

Allele frequency attached by ClinVar (database versions not stated): gnomAD exomes 0.00001 and 0.00008; gnomAD 0.00002 and 0.00003; TOPMed 0.00003; ExAC 0.00005; 1000 Genomes Project 30x 0.00042.

Submission:

Labcorp Genetics (formerly Invitae), Labcorp
Classification: Uncertain significance for Amyotrophic lateral sclerosis type 15. Last evaluated: 2021-07-26. Review status: criteria provided, single submitter. Criteria: Invitae Variant Classification Sherloc (09022015). Collection method: clinical testing. Allele origin: germline.
Comment: Experimental studies and prediction algorithms are not available or were not evaluated, and the functional significance of this variant is currently unknown. In summary, the available evidence is currently insufficient to determine the role of this variant in disease. Therefore, it has been classified as a Variant of Uncertain Significance. This variant has not been reported in the literature in individuals with UBQLN2-related conditions. This variant is present in population databases (rs202132872, ExAC 0.03%). This sequence change replaces serine with arginine at codon 7 of the UBQLN2 protein (p.Ser7Arg). The serine residue is moderately conserved and there is a moderate physicochemical difference between serine and arginine.

NM_013444.4(UBQLN2):c.21C>G (p.Ser7Arg)

Gene: UBQLN2 (ubiquilin 2; plus strand). Cytogenetic location: Xp11.21.
Variant type: single nucleotide variant.
Coding change: c.21C>G on transcript NM_013444.4 (MANE Select); coding-DNA position 21, C replaced by G.
Protein change: p.Ser7Arg; replaces serine 7 with arginine.
Molecular consequence: missense variant.
Genome position (GRCh38, 1-based): chrX:56,563,894, C>G. VCF-style: chrX-56563894-C-G. GRCh37 (hg19) VCF-style: chrX-56590327-C-G.
Other names: short protein forms S7R.
Identifiers: ClinVar variation 1515048 (VCV001515048.8), dbSNP rs202132872, ClinGen allele CA10430030.